The following is an entry in ClinVar:

ClinVar aggregate classification (germline): Uncertain significance (1 of 4 stars; one submission).

Conditions:
X-linked agammaglobulinemia with growth hormone deficiency (IGHD3). Also called: Isolated growth hormone deficiency type 3; Growth hormone deficiency with hypogammaglobulinemia; ISOLATED GROWTH HORMONE DEFICIENCY, TYPE III, WITH AGAMMAGLOBULINEMIA; AGAMMAGLOBULINEMIA AND ISOLATED GROWTH HORMONE DEFICIENCY, X-LINKED; FLEISHER SYNDROME; HYPOGAMMAGLOBULINEMIA AND ISOLATED GROWTH HORMONE DEFICIENCY, X-LINKED. Identifiers: Orphanet 231692, Orphanet 631, MedGen C0472813, MONDO:0010615, OMIM 307200.

Submission:

Labcorp Genetics (formerly Invitae), Labcorp
Classification: Uncertain significance for X-linked agammaglobulinemia with growth hormone deficiency. Last evaluated: 2023-02-16. Review status: criteria provided, single submitter. Criteria: Invitae Variant Classification Sherloc (09022015). Collection method: clinical testing. Allele origin: germline.
Comment: In summary, the available evidence is currently insufficient to determine the role of this variant in disease. Therefore, it has been classified as a Variant of Uncertain Significance. Advanced modeling of protein sequence and biophysical properties (such as structural, functional, and spatial information, amino acid conservation, physicochemical variation, residue mobility, and thermodynamic stability) performed at Invitae indicates that this missense variant is not expected to disrupt BTK protein function. This variant has not been reported in the literature in individuals affected with BTK-related conditions. This variant is not present in population databases (gnomAD no frequency). This sequence change replaces arginine, which is basic and polar, with lysine, which is basic and polar, at codon 253 of the BTK protein (p.Arg253Lys).

NM_000061.3(BTK):c.758G>A (p.Arg253Lys)

Gene: BTK (Bruton tyrosine kinase; minus strand). Cytogenetic location: Xq22.1.
Variant type: single nucleotide variant.
Coding change: c.758G>A on transcript NM_000061.3 (MANE Select); coding-DNA position 758, G replaced by A.
Protein change: p.Arg253Lys; replaces arginine 253 with lysine.
Molecular consequence: missense variant.
Genome position (GRCh38, 1-based): chrX:101,360,586, C>T on the plus strand (G>A on the coding strand, the complement: BTK is on the minus strand). VCF-style: chrX-101360586-C-T. GRCh37 (hg19) VCF-style: chrX-100615574-C-T.
Other names: c.860G>A, p.Arg287Lys (NM_001287344.2); c.758G>A, p.Arg253Lys (NM_001287345.2); short protein forms R287K, R253K.
Identifiers: ClinVar variation 2838377 (VCV002838377.3), dbSNP rs2147432565, ClinGen allele CA413931603.
Genomic context (GRCh38, chrX:101,360,586, plus strand): 5'-GTGGGCAGGCACCAGGCTCAGGAAGGGCTGGTGTGGACTCACCCATTTTTATCTCGTGCT[C>T]TCCACCATGGTAAGTTGCTTTCCTCCAAGATAAAATATTCATCACCCTTCCGCAGCTGTA-3'
Protein context (NP_000052.1, residues 243-263): ILEESNLPWW[Arg253Lys]ARDKNGQEGY